The following is an entry in ClinVar:

NM_031935.3(HMCN1):c.13909A>G (p.Ile4637Val)

Gene: HMCN1 (hemicentin 1; plus strand). Cytogenetic location: 1q31.1.
Variant type: single nucleotide variant.
Coding change: c.13909A>G on transcript NM_031935.3 (MANE Select); coding-DNA position 13909, A replaced by G.
Protein change: p.Ile4637Val; replaces isoleucine 4637 with valine.
Molecular consequence: missense variant.
Genome position (GRCh38, 1-based): chr1:186,137,957, A>G. VCF-style: chr1-186137957-A-G. GRCh37 (hg19) VCF-style: chr1-186107089-A-G.
Other names: c.13909A>G (NM_031935.2); short protein forms I4637V.
Identifiers: ClinVar variation 1347944 (VCV001347944.7), dbSNP rs752516803, ClinGen allele CA1294791.

ClinVar aggregate classification (germline): Uncertain significance. Review status: criteria provided, multiple submitters, no conflicts (2 of 4 stars). 2 submissions from 2 submitters: Uncertain significance (2). Last evaluated 2025-05-27.

Allele frequency attached by ClinVar (database versions not stated): ExAC 0.00003; gnomAD exomes 0.00003 and 0.00004; gnomAD 0.00004 and 0.00006; TOPMed 0.00009.
gnomAD v4.1: 63 of 1,613,920 alleles (0.0039%); highest among the groups gnomAD compares: Middle Eastern, 0.049%; no homozygotes.

Submissions (2):

Labcorp Genetics (formerly Invitae), Labcorp
Classification: Uncertain significance. Last evaluated: 2025-05-27. Review status: criteria provided, single submitter. Criteria: Invitae Variant Classification Sherloc (09022015). Collection method: clinical testing. Allele origin: germline.
Comment: This sequence change replaces isoleucine, which is neutral and non-polar, with valine, which is neutral and non-polar, at codon 4637 of the HMCN1 protein (p.Ile4637Val). This variant is present in population databases (rs752516803, gnomAD 0.007%). This variant has not been reported in the literature in individuals affected with HMCN1-related conditions. ClinVar contains an entry for this variant (Variation ID: 1347944). An algorithm developed to predict the effect of missense changes on protein structure and function outputs the following: PolyPhen-2: "Benign". The valine amino acid residue is found in multiple mammalian species, which suggests that this missense change does not adversely affect protein function. In summary, the available evidence is currently insufficient to determine the role of this variant in disease. Therefore, it has been classified as a Variant of Uncertain Significance.

Ambry Genetics
Classification: Uncertain significance. Last evaluated: 2024-02-28. Review status: criteria provided, single submitter. Criteria: Ambry Variant Classification Scheme 2023. Collection method: clinical testing. Allele origin: germline.